The following is an entry in ClinVar:

NM_001166114.2(PNPLA6):c.2533C>T (p.Gln845Ter)

Gene: PNPLA6 (patatin like domain 6, lysophospholipase; plus strand). Cytogenetic location: 19p13.2.
Variant type: single nucleotide variant.
Coding change: c.2533C>T on transcript NM_001166114.2 (MANE Select); coding-DNA position 2533, C replaced by T.
Protein change: p.Gln845Ter; replaces glutamine 845 with a stop codon.
Molecular consequence: nonsense.
Genome position (GRCh38, 1-based): chr19:7,554,622, C>T. VCF-style: chr19-7554622-C-T. GRCh37 (hg19) VCF-style: chr19-7619508-C-T.
Other names: c.2563C>T, p.Gln855Ter (NM_001166111.2); c.2338C>T, p.Gln780Ter (NM_001166112.2); c.2419C>T, p.Gln807Ter (NM_001166113.1, NM_006702.5); short protein forms Q780*, Q807*, Q845*, Q855*.
Identifiers: ClinVar variation 2906297 (VCV002906297.3), dbSNP rs774188638, ClinGen allele CA9140143.
Genomic context (GRCh38, chr19:7,554,622, plus strand): 5'-GAGTTCCGGCTGTCAGGGTGGCTGGCCCAGCAGGAGGATGCACACCGTATCGTACTCTAC[C>T]AGACGGACGCCTCGCTGACGCCCTGGACCGTGCGCTGCCTGCGACAGGCCGACTGCATCC-3'

ClinVar aggregate classification (germline): Pathogenic (1 of 4 stars; one submission).

Conditions:
Hereditary spastic paraplegia 39 (SPG39). Also called: Spastic Paraplegia Type 39 (SPG39); SPASTIC PARAPLEGIA 39, AUTOSOMAL RECESSIVE. Identifiers: Orphanet 139480, MedGen C2677586, MONDO:0012787, OMIM 612020.

Allele frequency attached by ClinVar (database versions not stated): ExAC 0.00002; gnomAD exomes 0.00002.
gnomAD v4.1: 25 of 1,614,066 alleles (0.0015%); highest among the groups gnomAD compares: Non-Finnish European, 0.0021%; no homozygotes.

Submission:

Labcorp Genetics (formerly Invitae), Labcorp
Classification: Pathogenic for Hereditary spastic paraplegia 39. Last evaluated: 2025-10-06. Review status: criteria provided, single submitter. Criteria: Invitae Variant Classification Sherloc (09022015). Collection method: clinical testing. Allele origin: germline.
Comment: This sequence change creates a premature translational stop signal (p.Gln807*) in the PNPLA6 gene. It is expected to result in an absent or disrupted protein product. Loss-of-function variants in PNPLA6 are known to be pathogenic (PMID: 24355708). This variant is present in population databases (rs774188638, gnomAD 0.002%). This variant has not been reported in the literature in individuals affected with PNPLA6-related conditions. ClinVar contains an entry for this variant (Variation ID: 2906297). For these reasons, this variant has been classified as Pathogenic.

Literature cited by the submitters: PubMed 24355708.